The following is an entry in ClinVar:

ClinVar aggregate classification (germline): Likely benign. Review status: criteria provided, multiple submitters, no conflicts (2 of 4 stars). 2 submissions from 2 submitters: Likely benign (2). Last evaluated 2026-06-01.

Conditions:
SLC52A3-related disorder. Also called: SLC52A3-related condition.
Brown-Vialetto-van Laere syndrome 1. Also called: BROWN-VIALETTO-VAN LAERE SYNDROME 1, MILD; BULBAR PALSY, PROGRESSIVE, WITH SENSORINEURAL DEAFNESS; PONTOBULBAR PALSY WITH DEAFNESS. Identifiers: Orphanet 572550, Orphanet 97229, MedGen C0796274, MONDO:0024537, OMIM 211530.

Allele frequency attached by ClinVar (database versions not stated): ExAC 0.00031; TOPMed 0.00002; gnomAD exomes 0.00006 and 0.00009; gnomAD 0.00003 and 0.00005.
gnomAD v4.1: 84 of 1,548,072 alleles (0.0054%); highest among the groups gnomAD compares: South Asian, 0.051%; no homozygotes.

Submissions (2):

PreventionGenetics, part of Exact Sciences
Classification: Likely benign for SLC52A3-related condition. Last evaluated: 2026-06-01. Review status: criteria provided, single submitter. Criteria: ACMG Guidelines, 2015. Collection method: clinical testing. Allele origin: germline.
Comment: This variant is classified as likely benign based on ACMG/AMP sequence variant interpretation guidelines (Richards et al. 2015 PMID: 25741868, with internal and published modifications).

Labcorp Genetics (formerly Invitae), Labcorp
Classification: Likely benign for Brown-Vialetto-van Laere syndrome 1. Last evaluated: 2025-09-10. Review status: criteria provided, single submitter. Criteria: Invitae Variant Classification Sherloc (09022015). Collection method: clinical testing. Allele origin: germline.

NM_033409.4(SLC52A3):c.1200G>A (p.Val400=)

Gene: SLC52A3 (solute carrier family 52 member 3; minus strand). Cytogenetic location: 20p13.
Variant type: single nucleotide variant.
Coding change: c.1200G>A on transcript NM_033409.4 (MANE Select); coding-DNA position 1200, G replaced by A.
Protein change: p.Val400=; no amino-acid change (valine 400 retained).
Molecular consequence: synonymous variant.
Genome position (GRCh38, 1-based): chr20:761,236, C>T on the plus strand (G>A on the coding strand, the complement: SLC52A3 is on the minus strand). VCF-style: chr20-761236-C-T. GRCh37 (hg19) VCF-style: chr20-741880-C-T.
Other names: c.1200G>A, p.Val400= (NM_001370085.1, NM_001370086.1).
Identifiers: ClinVar variation 704755 (VCV000704755.13), dbSNP rs772196630, ClinGen allele CA9724544.